The following is an entry in ClinVar:

NM_003119.4(SPG7):c.880C>G (p.Arg294Gly)

Gene: SPG7 (SPG7 matrix AAA peptidase subunit, paraplegin; plus strand). Cytogenetic location: 16q24.3.
Variant type: single nucleotide variant.
Coding change: c.880C>G on transcript NM_003119.4 (MANE Select); coding-DNA position 880, C replaced by G.
Protein change: p.Arg294Gly; replaces arginine 294 with glycine.
Molecular consequence: missense variant.
Genome position (GRCh38, 1-based): chr16:89,530,701, C>G. VCF-style: chr16-89530701-C-G. GRCh37 (hg19) VCF-style: chr16-89597109-C-G.
Other names: c.880C>G, p.Arg294Gly (NM_001363850.1, NM_199367.3); short protein forms R294G.
Identifiers: ClinVar variation 2506610 (VCV002506610.1), dbSNP rs1161309952, ClinGen allele CA397418910.

ClinVar aggregate classification (germline): Uncertain significance (1 of 4 stars; one submission).

gnomAD v4.1: 1 of 1,614,068 alleles (0.000062%); highest among the groups gnomAD compares: East Asian, 0.0022%; no homozygotes.

Submission:

GeneDx
Classification: Uncertain significance. Last evaluated: 2022-12-22. Review status: criteria provided, single submitter. Criteria: GeneDx Variant Classification Process June 2021. Collection method: clinical testing. Allele origin: germline. Affected: yes.
Comment: Not observed at significant frequency in large population cohorts (gnomAD); In silico analysis supports that this missense variant has a deleterious effect on protein structure/function; Has not been previously published as pathogenic or benign to our knowledge